The following is an entry in ClinVar:

NM_001318510.2(ACSL4):c.695C>T (p.Ala232Val)

Gene: ACSL4 (acyl-CoA synthetase long chain family member 4; minus strand). Cytogenetic location: Xq23.
Variant type: single nucleotide variant.
Coding change: c.695C>T on transcript NM_001318510.2 (MANE Select); coding-DNA position 695, C replaced by T.
Protein change: p.Ala232Val; replaces alanine 232 with valine.
Molecular consequence: missense variant.
Genome position (GRCh38, 1-based): chrX:109,678,376, G>A on the plus strand (C>T on the coding strand, the complement: ACSL4 is on the minus strand). VCF-style: chrX-109678376-G-A. GRCh37 (hg19) VCF-style: chrX-108921605-G-A.
Other names: c.818C>T, p.Ala273Val (NM_001318509.2, NM_022977.3); c.695C>T, p.Ala232Val (NM_004458.3); short protein forms A232V, A273V.
Identifiers: ClinVar variation 3393628 (VCV003393628.1).
Genomic context (GRCh38, chrX:109,678,376, plus strand): 5'-CTATGATGCATCATCACTCCCTTAGGTCGGCCAGTAGAACCACTAGTATACATAACAATG[G>A]CCATGTCTGAAGGCGTTGGTCTACTTGGAGGAATGCCCACTAAATGAATGAATGAAAAAT-3'
Protein context (NP_001305439.1, residues 222-242): PPSRPTPSDM[Ala232Val]IVMYTSGSTG

ClinVar aggregate classification (germline): Uncertain significance (1 of 4 stars; one submission).

Submission:

GeneDx
Classification: Uncertain significance. Last evaluated: 2024-07-01. Review status: criteria provided, single submitter. Criteria: GeneDx Variant Classification Process June 2021. Collection method: clinical testing. Allele origin: germline. Affected: yes.
Comment: Not observed at significant frequency in large population cohorts (gnomAD); In silico analysis supports that this missense variant has a deleterious effect on protein structure/function; Has not been previously published as pathogenic or benign to our knowledge